The following is an entry in ClinVar:

NM_006531.5(IFT88):c.1922A>G (p.Gln641Arg)

Gene: IFT88 (intraflagellar transport 88; plus strand). Cytogenetic location: 13q12.11.
Variant type: single nucleotide variant.
Coding change: c.1922A>G on transcript NM_006531.5 (MANE Select); coding-DNA position 1922, A replaced by G.
Protein change: p.Gln641Arg; replaces glutamine 641 with arginine.
Molecular consequence: missense variant. On other transcripts: non-coding transcript variant (4).
Genome position (GRCh38, 1-based): chr13:20,644,931, A>G. VCF-style: chr13-20644931-A-G. GRCh37 (hg19) VCF-style: chr13-21219070-A-G.
Other names: c.1865A>G, p.Gln622Arg (NM_001318491.2, NM_001353575.2); c.1949A>G, p.Gln650Arg (NM_001318493.2, NM_001353565.2, NM_001353566.2 and 2 more transcripts); c.1922A>G, p.Gln641Arg (NM_001353568.2, NM_001353572.2); c.1847A>G, p.Gln616Arg (NM_001353569.2, NM_001353570.2, NM_001353576.2 and 1 more transcripts); c.1820A>G, p.Gln607Arg (NM_001353571.2, NM_001353578.2); c.1778A>G, p.Gln593Arg (NM_001353573.2); c.1763A>G, p.Gln588Arg (NM_001353574.2); c.1289A>G, p.Gln430Arg (NM_001353579.2); short protein forms Q430R, Q588R, Q622R, Q607R, Q593R, Q616R, Q641R, Q650R.
Identifiers: ClinVar variation 2069515 (VCV002069515.4), dbSNP rs2548583268, ClinGen allele CA387475457.

ClinVar aggregate classification (germline): Uncertain significance (1 of 4 stars; one submission).

Submission:

Labcorp Genetics (formerly Invitae), Labcorp
Classification: Uncertain significance. Last evaluated: 2023-11-27. Review status: criteria provided, single submitter. Criteria: Invitae Variant Classification Sherloc (09022015). Collection method: clinical testing. Allele origin: germline.
Comment: This sequence change replaces glutamine, which is neutral and polar, with arginine, which is basic and polar, at codon 650 of the IFT88 protein (p.Gln650Arg). This variant is not present in population databases (gnomAD no frequency). This variant has not been reported in the literature in individuals affected with IFT88-related conditions. ClinVar contains an entry for this variant (Variation ID: 2069515). An algorithm developed to predict the effect of missense changes on protein structure and function (PolyPhen-2) suggests that this variant is likely to be tolerated. In summary, the available evidence is currently insufficient to determine the role of this variant in disease. Therefore, it has been classified as a Variant of Uncertain Significance.